The following is an entry in ClinVar:

NM_001035.3(RYR2):c.4913del (p.Ser1638fs)

Gene: RYR2 (ryanodine receptor 2; plus strand). Cytogenetic location: 1q43.
Variant type: Deletion.
Coding change: c.4913del on transcript NM_001035.3 (MANE Select); coding-DNA position 4913, one base deleted (C; older notation c.4913delC).
Protein change: p.Ser1638fs; shifts the reading frame from serine 1638.
Molecular consequence: frameshift variant.
Genome position (GRCh38, 1-based): chr1:237,614,041, C deleted. VCF-style (leftmost placement, unchanged base first): chr1-237614040-TC-T. GRCh37 (hg19) VCF-style: chr1-237777340-TC-T.
Other names: short protein forms S1638fs.
Identifiers: ClinVar variation 643261 (VCV000643261.8), dbSNP rs1573121929, ClinGen allele CA915942081.

ClinVar aggregate classification (germline): Uncertain significance (1 of 4 stars; one submission).

Conditions:
Catecholaminergic polymorphic ventricular tachycardia 1. Also called: RYR2-Related Catecholaminergic Polymorphic Ventricular Tachycardia; VENTRICULAR TACHYCARDIA, STRESS-INDUCED POLYMORPHIC 1; VENTRICULAR TACHYCARDIA, CATECHOLAMINERGIC POLYMORPHIC, 1, WITH OR WITHOUT ATRIAL DYSFUNCTION AND/OR DILATED CARDIOMYOPATHY. Identifiers: Orphanet 3286, MedGen C1631597, MONDO:0011484, OMIM 604772.

Submission:

Labcorp Genetics (formerly Invitae), Labcorp
Classification: Uncertain significance for Catecholaminergic polymorphic ventricular tachycardia 1. Last evaluated: 2018-08-01. Review status: criteria provided, single submitter. Criteria: Invitae Variant Classification Sherloc (09022015). Collection method: clinical testing. Allele origin: germline.
Comment: This sequence change creates a premature translational stop signal (p.Ser1638Leufs*5) in the RYR2 gene. It is expected to result in an absent or disrupted protein product. This variant is not present in population databases (ExAC no frequency). This variant has not been reported in the literature in individuals with RYR2-related disease. The current clinical and genetic evidence is not sufficient to establish whether loss-of-function variants in RYR2 cause disease. In summary, the available evidence is currently insufficient to determine the role of this variant in disease. Therefore, it has been classified as a Variant of Uncertain Significance.